The following is an entry in ClinVar:

NM_021044.4(DHH):c.-255T>C

Genes: DHH (desert hedgehog signaling molecule; minus strand), DHH-AS1 (DHH antisense RNA 1; plus strand). Cytogenetic location: 12q13.12.
Variant type: single nucleotide variant.
Coding change: c.-255T>C on transcript NM_021044.4 (MANE Select); 255 bases upstream of the start codon, T replaced by C.
Molecular consequence: 5 prime UTR variant.
Genome position (GRCh38, 1-based): chr12:49,094,767, A>G on the plus strand (T>C on the coding strand, the complement: DHH is on the minus strand). VCF-style: chr12-49094767-A-G. GRCh37 (hg19) VCF-style: chr12-49488550-A-G.
Identifiers: ClinVar variation 309108 (VCV000309108.8), dbSNP rs59178045, ClinGen allele CA10641540.

ClinVar aggregate classification (germline): Benign. Review status: criteria provided, multiple submitters, no conflicts (2 of 4 stars). 3 submissions from 3 submitters: Benign (3). Last evaluated 2019-11-05.

Conditions:
46,XY sex reversal 7. Also called: 46,XY SEX REVERSAL, PARTIAL OR COMPLETE, DHH-RELATED; 46,XY GONADAL DYSGENESIS, PARTIAL OR COMPLETE, DHH-RELATED; DHH-Related 46,XY complete gonadal dysgenesis; GONADAL DYSGENESIS, XY, MALE-LIMITED. Identifiers: Orphanet 242, MedGen C1856273, MONDO:0009301, OMIM 233420.

Allele frequency attached by ClinVar (database versions not stated): gnomAD 0.03594; 1000 Genomes Project 0.03794; TOPMed 0.03964; 1000 Genomes Project 30x 0.04107.
gnomAD v4.1: 7,294 of 587,296 alleles (1.2%); highest among the groups gnomAD compares: African/African-American, 12%; 415 homozygotes.

Submissions (3):

GeneDx
Classification: Benign. Last evaluated: 2019-11-05. Review status: criteria provided, single submitter. Criteria: GeneDx Variant Classification Process June 2021. Collection method: clinical testing. Allele origin: germline. Affected: yes.

Illumina Laboratory Services, Illumina
Classification: Benign for 46,XY gonadal dysgenesis, complete, dhh-related. Last evaluated: 2018-01-13. Review status: criteria provided, single submitter. Criteria: ICSL Variant Classification Criteria 13 December 2019. Collection method: clinical testing. Allele origin: germline.
Comment: This variant was observed in the ICSL laboratory as part of a predisposition screen in an ostensibly healthy population. It had not been previously curated by ICSL or reported in the Human Gene Mutation Database (HGMD: prior to June 1st, 2018), and was therefore a candidate for classification through an automated scoring system. Utilizing variant allele frequency, disease prevalence and penetrance estimates, and inheritance mode, an automated score was calculated to assess if this variant is too frequent to cause the disease. Based on the score and internal cut-off values, a variant classified as benign is not then subjected to further curation. The score for this variant resulted in a classification of benign for this disease.

Breakthrough Genomics
Classification: Benign. Review status: criteria provided, single submitter. Criteria: ACMG Guidelines, 2015. Collection method: not provided. Allele origin: germline. Inheritance: Autosomal recessive inheritance. Affected: yes.